The following is an entry in ClinVar:

ClinVar aggregate classification (germline): Uncertain significance (1 of 4 stars; one submission).

Conditions:
Neuronal ceroid lipofuscinosis 13 (CLN13). Also called: CEROID LIPOFUSCINOSIS, NEURONAL, 13 (KUFS TYPE); CLN13 Disease. Identifiers: Orphanet 352709, Orphanet 79262, MedGen C3715049, MONDO:0014147, OMIM 615362.

gnomAD v4.1: 6 of 1,614,172 alleles (0.00037%); highest among the groups gnomAD compares: Non-Finnish European, 0.00051%; no homozygotes.

Submission:

Labcorp Genetics (formerly Invitae), Labcorp
Classification: Uncertain significance for Neuronal ceroid lipofuscinosis 13. Last evaluated: 2025-10-17. Review status: criteria provided, single submitter. Criteria: Invitae Variant Classification Sherloc (09022015). Collection method: clinical testing. Allele origin: germline.
Comment: This sequence change falls in intron 5 of the CTSF gene. It does not directly change the encoded amino acid sequence of the CTSF protein. It affects a nucleotide within the consensus splice site. This variant is not present in population databases (gnomAD no frequency). This variant has not been reported in the literature in individuals affected with CTSF-related conditions. Variants that disrupt the consensus splice site are a relatively common cause of aberrant splicing (PMID: 17576681, 9536098). Algorithms developed to predict the effect of sequence changes on RNA splicing suggest that this variant is not likely to affect RNA splicing. In summary, the available evidence is currently insufficient to determine the role of this variant in disease. Therefore, it has been classified as a Variant of Uncertain Significance.

Literature cited by the submitters: PubMed 17576681; PubMed 9536098.

NM_003793.4(CTSF):c.721+6G>T

Gene: CTSF (cathepsin F; minus strand). Cytogenetic location: 11q13.2.
Variant type: single nucleotide variant.
Coding change: c.721+6G>T on transcript NM_003793.4 (MANE Select); 6 bases into the intron after coding-DNA position 721, G replaced by T.
Molecular consequence: intron variant.
Genome position (GRCh38, 1-based): chr11:66,566,285, C>A on the plus strand (G>T on the coding strand, the complement: CTSF is on the minus strand). VCF-style: chr11-66566285-C-A. GRCh37 (hg19) VCF-style: chr11-66333756-C-A.
Identifiers: ClinVar variation 4755055 (VCV004755055.1).